The following is an entry in ClinVar:

ClinVar aggregate classification (germline): Uncertain significance (1 of 4 stars; one submission).

Submission:

GeneDx
Classification: Uncertain significance. Last evaluated: 2024-07-01. Review status: criteria provided, single submitter. Criteria: GeneDx Variant Classification Process June 2021. Collection method: clinical testing. Allele origin: germline. Affected: yes.
Comment: Not observed at significant frequency in large population cohorts (gnomAD); In silico analysis indicates that this missense variant does not alter protein structure/function; Has not been previously published as pathogenic or benign to our knowledge

NM_001378418.1(TCF20):c.3670G>C (p.Ala1224Pro)

Gene: TCF20 (transcription factor 20; minus strand). Cytogenetic location: 22q13.2.
Variant type: single nucleotide variant.
Coding change: c.3670G>C on transcript NM_001378418.1 (MANE Select); coding-DNA position 3670, G replaced by C.
Protein change: p.Ala1224Pro; replaces alanine 1224 with proline.
Molecular consequence: missense variant.
Genome position (GRCh38, 1-based): chr22:42,211,636, C>G on the plus strand (G>C on the coding strand, the complement: TCF20 is on the minus strand). VCF-style: chr22-42211636-C-G. GRCh37 (hg19) VCF-style: chr22-42607642-C-G.
Other names: c.3670G>C, p.Ala1224Pro (NM_005650.4, NM_181492.3); short protein forms A1224P.
Identifiers: ClinVar variation 3393697 (VCV003393697.1).
Genomic context (GRCh38, chr22:42,211,636, plus strand): 5'-CCTCCTGGCCTGGAAGTCTCAGCATAACACTACCAGGTTTGGATGACTGTGTAGCCTCAG[C>G]TAGTCCATGTCCATCAGTCTCATGGGGCGGCCCATACCTTTTTTGACTGGACATTCCTGG-3'
Protein context (NP_001365347.1, residues 1214-1234): PPHETDGHGL[Ala1224Pro]EATQSSKPGS